The following is an entry in ClinVar:

NM_033400.3(ZFHX2):c.2040C>T (p.Ser680=)

Genes: THTPA (thiamine triphosphatase; plus strand), ZFHX2 (zinc finger homeobox 2; minus strand). Cytogenetic location: 14q11.2.
Variant type: single nucleotide variant.
Coding change: c.2040C>T on transcript NM_033400.3 (MANE Select); coding-DNA position 2040, C replaced by T.
Protein change: p.Ser680=; no amino-acid change (serine 680 retained).
Molecular consequence: synonymous variant.
Genome position (GRCh38, 1-based): chr14:23,533,286, G>A on the plus strand (C>T on the coding strand, the complement: ZFHX2 is on the minus strand). VCF-style: chr14-23533286-G-A. GRCh37 (hg19) VCF-style: chr14-24002495-G-A.
Identifiers: ClinVar variation 3907521 (VCV003907521.1).
Genomic context (GRCh38, chr14:23,533,286, plus strand): 5'-GCACGGAATAGAGTTTGGCCCTGGGGAGGAGAGAAGAGGGAAGAAGCACAGAAGCTTACC[G>A]GATGTGGGGAACTTGCGGGCAGGTGCTCCTACGTGGTGGAAACCATTGAGAAGTAGCTGG-3'
Protein context (NP_207646.2, residues 670-690): VGAPARKFPT[Ser680=]APGSLSPDAH

ClinVar aggregate classification (germline): Uncertain significance (1 of 4 stars; one submission).

gnomAD v4.1: 149 of 1,436,354 alleles (0.01%); highest among the groups gnomAD compares: East Asian, 0.052%; no homozygotes.

Submission:

Women's Health and Genetics/Laboratory Corporation of America, LabCorp
Classification: Uncertain significance. Last evaluated: 2025-06-26. Review status: criteria provided, single submitter. Criteria: LabCorp Variant Classification Summary - May 2015. Collection method: clinical testing. Allele origin: germline.
Comment: Variant summary: ZFHX2 c.2040C>T (p.Ser680Ser) alters a non-conserved nucleotide located close to a canonical splice site and therefore could affect mRNA splicing, leading to a significantly altered protein sequence. Consensus agreement among computation tools predicts no significant impact on normal splicing. However, these predictions have yet to be confirmed by functional studies. The variant allele was found at a frequency of 0.0001 (i.e. in 149 carriers) in 1430202 control chromosomes (gnomAD). The occurrence in several controls suggests that this variant is likely not associated with a high penetrance, severe, early onset disease phenotype in heterozygous state. To our knowledge, no occurrence of c.2040C>T in individuals affected with Indifference to pain, congenital, autosomal dominant and no experimental evidence demonstrating its impact on protein function have been reported. No submitters have cited clinical-significance assessments for this variant to ClinVar. Based on the evidence outlined above, the variant was classified as uncertain significance.